The following is an entry in ClinVar:

ClinVar aggregate classification (germline): Likely pathogenic. Review status: criteria provided, multiple submitters, no conflicts (2 of 4 stars). 2 submissions from 2 submitters: Likely pathogenic (2). Last evaluated 2024-05-28.

Conditions:
Hereditary factor XI deficiency disease. Also called: Congenital factor XI deficiency; PLASMA THROMBOPLASTIN ANTECEDENT DEFICIENCY; PTA DEFICIENCY; ROSENTHAL SYNDROME. Identifiers: Orphanet 329, MedGen C0015523, MeSH D005173, MONDO:0012897, OMIM 612416.
Plasma factor XI deficiency.

Submissions (2):

Natera, Inc.
Classification: Likely pathogenic for Plasma factor XI deficiency. Last evaluated: 2024-05-28. Review status: criteria provided, single submitter. Criteria: Natera Variant Classification Schema (03/2026). Collection method: clinical testing. Allele origin: germline.
Comment: The c.343del variant in F11 is a frameshift variant predicted to shift the reading frame beginning at codon 115 and leads to a stop codon 4 codons downstream. This variant is expected to result in nonsense mediated decay, truncation, or a dysfunctional protein product. This variant is rare in the general population with a frequency below the threshold expected for the associated phenotype(s). Given the available evidence, this variant is classified as Likely Pathogenic.

NIHR Bioresource Rare Diseases, University of Cambridge
Classification: Likely pathogenic for Hereditary factor XI deficiency disease. Last evaluated: 2019-02-01. Review status: criteria provided, single submitter. Criteria: ACMG Guidelines, 2015. Collection method: research. Allele origin: unknown. Affected: yes. Observed: 1 heterozygote. Study: ThromboGenomics.

Literature cited by the submitters: PubMed 31064749 (cited by NIHR Bioresource Rare Diseases, University of Cambridge).

NM_000128.4(F11):c.343del (p.Tyr115fs)

Gene: F11 (coagulation factor XI; plus strand). Cytogenetic location: 4q35.2.
Variant type: Deletion.
Coding change: c.343del on transcript NM_000128.4 (MANE Select); coding-DNA position 343, one base deleted (T; older notation c.343delT).
Protein change: p.Tyr115fs; shifts the reading frame from tyrosine 115.
Molecular consequence: frameshift variant.
Genome position (GRCh38, 1-based): chr4:186,274,133, T deleted; the last of 3 consecutive T bases (chr4:186,274,131-186,274,133); deleting any one gives the same sequence. VCF-style (leftmost placement, unchanged base first): chr4-186274130-AT-A. GRCh37 (hg19) VCF-style: chr4-187195284-AT-A.
Other names: c.343del (NM_000128.3); c.343delT (NM_000128.3); c.343del, p.Tyr115fs (NM_001354804.2); short protein forms Y115fs.
Identifiers: ClinVar variation 626957 (VCV000626957.3), dbSNP rs1580075457, ClinGen allele CA915943227.
Genomic context (GRCh38, chr4:186,274,130, plus strand): 5'-CCCCTAGAATCTGGAAGGTACTCATGTCTTCTGCTTTTATTTCCAGCTTGCAACAAAGAC[AT>A]TTATGTGGACCTAGACATGAAGGGCATAAACTATAACAGCTCAGTTGCCAAGAGTGCTCA-3'